The following is an entry in ClinVar:

ClinVar aggregate classification (germline): Uncertain significance (1 of 4 stars; one submission).

Conditions:
Chuvash polycythemia. Also called: POLYCYTHEMIA, VHL-DEPENDENT. Identifiers: Orphanet 238557, MedGen C1837915, MONDO:0009892, OMIM 263400.
Von Hippel-Lindau syndrome (VHLS). Also called: Von Hippel-Lindau; von Hippel–Lindau syndrome; VHL syndrome. Identifiers: Orphanet 892, MedGen C0019562, MONDO:0008667, OMIM 193300. Disease mechanism: loss of function.

Submission:

Labcorp Genetics (formerly Invitae), Labcorp
Classification: Uncertain significance for Von Hippel-Lindau syndrome; Chuvash polycythemia. Last evaluated: 2024-12-08. Review status: criteria provided, single submitter. Criteria: Invitae Variant Classification Sherloc (09022015). Collection method: clinical testing. Allele origin: germline.
Comment: This sequence change falls in intron 1 of the VHL gene. It is not expected to change the encoded amino acid sequence of the VHL protein. However, this sequence change falls within a cryptic exon in the VHL gene, known as exon E1’, which is naturally expressed at low levels in several human tissues (PMID: 29891534). This variant is not present in population databases (gnomAD no frequency). This variant has not been reported in the literature in individuals affected with VHL-related conditions. Algorithms developed to predict the effect of sequence changes on RNA splicing suggest that this variant is not likely to affect RNA splicing. In summary, the available evidence is currently insufficient to determine the role of this variant in disease. Therefore, it has been classified as a Variant of Uncertain Significance.

Literature cited by the submitters: PubMed 29891534.

NM_000551.4(VHL):c.340+776A>G

Genes: VHL (von Hippel-Lindau tumor suppressor; plus strand), LOC107303340 (3p25 von Hippel-Lindau tumor suppressor, E3 ubiquitin protein ligase Alu-mediated recombination region; plus strand). Cytogenetic location: 3p25.3.
Variant type: single nucleotide variant.
Coding change: c.340+776A>G on transcript NM_000551.4 (MANE Select); 776 bases into the intron after coding-DNA position 340, A replaced by G.
Molecular consequence: intron variant. On other transcripts: missense variant (1), non-coding transcript variant (1).
Genome position (GRCh38, 1-based): chr3:10,142,963, A>G. VCF-style: chr3-10142963-A-G. GRCh37 (hg19) VCF-style: chr3-10184647-A-G.
Other names: c.541A>G, p.Lys181Glu (NM_001354723.2); c.340+776A>G (NM_198156.3); short protein forms K181E.
Identifiers: ClinVar variation 3748802 (VCV003748802.2).